The following is an entry in ClinVar:

NM_000541.5(SAG):c.806+4A>G

Gene: SAG (S-antigen visual arrestin; plus strand). Cytogenetic location: 2q37.1.
Variant type: single nucleotide variant.
Coding change: c.806+4A>G on transcript NM_000541.5 (MANE Select); 4 bases into the intron after coding-DNA position 806, A replaced by G.
Molecular consequence: intron variant.
Genome position (GRCh38, 1-based): chr2:233,331,716, A>G. VCF-style: chr2-233331716-A-G. GRCh37 (hg19) VCF-style: chr2-234240362-A-G.
Identifiers: ClinVar variation 444553 (VCV000444553.48), dbSNP rs749633616, ClinGen allele CA2174534.

ClinVar aggregate classification (germline): Conflicting classifications of pathogenicity. Review status: criteria provided, conflicting classifications (1 of 4 stars). 3 submissions from 3 submitters: Pathogenic (1); Uncertain significance (2). Last evaluated 2022-03-29.

Conditions:
Retinitis pigmentosa (RP). Identifiers: Orphanet 791, MedGen C0035334, MeSH D012174, MONDO:0019200, OMIM 268000. Inheritance: Autosomal dominant, autosomal recessive and X linked inheritance.

Allele frequency attached by ClinVar (database versions not stated): gnomAD exomes below 0.00001; TOPMed below 0.00001; ExAC 0.00001.
gnomAD v4.1: 4 of 1,610,614 alleles (0.00025%); highest among the groups gnomAD compares: Non-Finnish European, 0.00034%; no homozygotes.

Submissions (3):

Labcorp Genetics (formerly Invitae), Labcorp
Classification: Uncertain significance. Last evaluated: 2022-03-29. Review status: criteria provided, single submitter. Criteria: Invitae Variant Classification Sherloc (09022015). Collection method: clinical testing. Allele origin: germline.
Comment: In summary, the available evidence is currently insufficient to determine the role of this variant in disease. Therefore, it has been classified as a Variant of Uncertain Significance. Variants that disrupt the consensus splice site are a relatively common cause of aberrant splicing (PMID: 17576681, 9536098). Algorithms developed to predict the effect of sequence changes on RNA splicing suggest that this variant may disrupt the consensus splice site. ClinVar contains an entry for this variant (Variation ID: 444553). This variant has not been reported in the literature in individuals affected with SAG-related conditions. This variant is not present in population databases (gnomAD no frequency). This sequence change falls in intron 10 of the SAG gene. It does not directly change the encoded amino acid sequence of the SAG protein. It affects a nucleotide within the consensus splice site.

Molecular Genetics Laboratory, Institute for Ophthalmic Research
Classification: Pathogenic for Retinitis pigmentosa. Last evaluated: 2020-01-09. Review status: criteria provided, single submitter. Criteria: ACMG Guidelines, 2015. Collection method: research. Allele origin: germline. Affected: yes.

CeGaT Center for Human Genetics Tuebingen
Classification: Uncertain significance. Last evaluated: 2018-07-01. Review status: criteria provided, single submitter. Criteria: CeGaT Center For Human Genetics Tuebingen Variant Classification Criteria Version 2. Collection method: clinical testing. Allele origin: germline. Affected: yes. Observed: 2 variant alleles.

Literature cited by the submitters: PubMed 17576681 (cited by Labcorp Genetics (formerly Invitae), Labcorp); PubMed 9536098 (cited by Labcorp Genetics (formerly Invitae), Labcorp).